The following is an entry in ClinVar:

ClinVar aggregate classification (germline): Pathogenic/Likely pathogenic. Review status: criteria provided, multiple submitters, no conflicts (2 of 4 stars). 2 submissions from 2 submitters: Pathogenic (1); Likely pathogenic (1). Last evaluated 2023-09-15.

Conditions:
CEP152-related disorder. Also called: CEP152-related disorders; CEP152-related condition. Identifiers: MedGen CN239248.

Allele frequency attached by ClinVar (database versions not stated): gnomAD 0.00001.

Submissions (2):

Labcorp Genetics (formerly Invitae), Labcorp
Classification: Pathogenic. Last evaluated: 2023-09-15. Review status: criteria provided, single submitter. Criteria: Invitae Variant Classification Sherloc (09022015). Collection method: clinical testing. Allele origin: germline.
Comment: For these reasons, this variant has been classified as Pathogenic. This variant has not been reported in the literature in individuals affected with CEP152-related conditions. This variant is present in population databases (rs374221404, gnomAD 0.004%). This sequence change creates a premature translational stop signal (p.Gln295*) in the CEP152 gene. It is expected to result in an absent or disrupted protein product. Loss-of-function variants in CEP152 are known to be pathogenic (PMID: 21131973).

Blueprint Genetics
Classification: Likely pathogenic for CEP152-related disorders. Last evaluated: 2020-08-13. Review status: criteria provided, single submitter. Criteria: ACMG Guidelines, 2015. Collection method: clinical testing. Allele origin: germline. Affected: yes. Observed: 1 variant allele.

Literature cited by the submitters: PubMed 21131973 (cited by Labcorp Genetics (formerly Invitae), Labcorp).

NM_001194998.2(CEP152):c.883C>T (p.Gln295Ter)

Gene: CEP152 (centrosomal protein 152; minus strand). Cytogenetic location: 15q21.1.
Variant type: single nucleotide variant.
Coding change: c.883C>T on transcript NM_001194998.2 (MANE Select); coding-DNA position 883, C replaced by T.
Protein change: p.Gln295Ter; replaces glutamine 295 with a stop codon.
Molecular consequence: nonsense.
Genome position (GRCh38, 1-based): chr15:48,791,326, G>A on the plus strand (C>T on the coding strand, the complement: CEP152 is on the minus strand). VCF-style: chr15-48791326-G-A. GRCh37 (hg19) VCF-style: chr15-49083523-G-A.
Other names: c.883C>T, p.Gln295Ter (NM_014985.4); short protein forms Q295*.
Identifiers: ClinVar variation 2760991 (VCV002760991.4), dbSNP rs374221404, ClinGen allele CA7549000.